The following is an entry in ClinVar:

NM_003482.4(KMT2D):c.15560C>G (p.Ala5187Gly)

Gene: KMT2D (lysine methyltransferase 2D; minus strand). Cytogenetic location: 12q13.12.
Variant type: single nucleotide variant.
Coding change: c.15560C>G on transcript NM_003482.4 (MANE Select); coding-DNA position 15560, C replaced by G.
Protein change: p.Ala5187Gly; replaces alanine 5187 with glycine.
Molecular consequence: missense variant.
Genome position (GRCh38, 1-based): chr12:49,026,406, G>C on the plus strand (C>G on the coding strand, the complement: KMT2D is on the minus strand). VCF-style: chr12-49026406-G-C. GRCh37 (hg19) VCF-style: chr12-49420189-G-C.
Other names: short protein forms A5187G.
Identifiers: ClinVar variation 1343032 (VCV001343032.9), dbSNP rs770452569, ClinGen allele CA6545540.

ClinVar aggregate classification (germline): Conflicting classifications of pathogenicity. Review status: criteria provided, conflicting classifications (1 of 4 stars). 3 submissions from 3 submitters: Uncertain significance (2); Benign (1). Last evaluated 2025-09-10.

Conditions:
KMT2D-related disorder. Also called: KMT2D-Related Disorders.
Kabuki syndrome. Also called: NIIKAWA-KUROKI SYNDROME; Kabuki make-up syndrome. Identifiers: Orphanet 2322, MedGen C0796004, MONDO:0016512.

Allele frequency attached by ClinVar (database versions not stated): ExAC 0.00001; gnomAD exomes 0.00001 and 0.00002; TOPMed 0.00002.
gnomAD v4.1: 8 of 1,613,916 alleles (0.0005%); highest among the groups gnomAD compares: Admixed American, 0.0083%; no homozygotes.

Submissions (3):

Labcorp Genetics (formerly Invitae), Labcorp
Classification: Benign for Kabuki syndrome. Last evaluated: 2025-09-10. Review status: criteria provided, single submitter. Criteria: Invitae Variant Classification Sherloc (09022015). Collection method: clinical testing. Allele origin: germline.

PreventionGenetics, part of Exact Sciences
Classification: Uncertain significance for KMT2D-related condition. Last evaluated: 2025-08-05. Review status: criteria provided, single submitter. Criteria: ACMG Guidelines, 2015. Collection method: clinical testing. Allele origin: germline.
Comment: The KMT2D c.15560C>G variant is predicted to result in the amino acid substitution p.Ala5187Gly. To our knowledge, this variant has not been reported in the literature. This variant is reported in 0.014% of alleles in individuals of Latino descent in gnomAD, which may be too common to be a primary cause of disease. Although we suspect that this variant may be benign, at this time, the clinical significance of this variant is uncertain due to the absence of conclusive functional and genetic evidence.

GeneDx
Classification: Uncertain significance. Last evaluated: 2023-11-15. Review status: criteria provided, single submitter. Criteria: GeneDx Variant Classification Process June 2021. Collection method: clinical testing. Allele origin: germline. Affected: yes.
Comment: In silico analysis supports that this missense variant has a deleterious effect on protein structure/function; Has not been previously published as pathogenic or benign to our knowledge